The following is an entry in ClinVar:

NM_004035.7(ACOX1):c.1867C>T (p.Arg623Cys)

Gene: ACOX1 (acyl-CoA oxidase 1; minus strand). Cytogenetic location: 17q25.1.
Variant type: single nucleotide variant.
Coding change: c.1867C>T on transcript NM_004035.7 (MANE Select); coding-DNA position 1867, C replaced by T.
Protein change: p.Arg623Cys; replaces arginine 623 with cysteine.
Molecular consequence: missense variant.
Genome position (GRCh38, 1-based): chr17:75,948,319, G>A on the plus strand (C>T on the coding strand, the complement: ACOX1 is on the minus strand). VCF-style: chr17-75948319-G-A. GRCh37 (hg19) VCF-style: chr17-73944400-G-A.
Other names: c.1753C>T, p.Arg585Cys (NM_001185039.2); c.1867C>T, p.Arg623Cys (NM_007292.6); short protein forms R585C, R623C.
Identifiers: ClinVar variation 2198240 (VCV002198240.2), dbSNP rs772115436, ClinGen allele CA8776644.
Genomic context (GRCh38, chr17:75,948,319, plus strand): 5'-TGTTCAGTGGGGAGTTCTTAGCCCACTCAAACAAGTTTTCATACACATTCCCATCATAGC[G>A]GCCAAGCACAGAGCCAAGTGTCACATCCTGAAAATCAAATGCATCAACCAAAGCAACAGC-3'
Protein context (NP_004026.2, residues 613-633): QDVTLGSVLG[Arg623Cys]YDGNVYENLF

ClinVar aggregate classification (germline): Uncertain significance (1 of 4 stars; one submission).

Conditions:
Acyl-CoA oxidase deficiency. Also called: Peroxisomal acyl-CoA oxidase deficiency; STRAIGHT-CHAIN ACYL-CoA OXIDASE DEFICIENCY; Pseudoneonatal adrenoleukodystrophy. Identifiers: Orphanet 2971, MedGen C1849678, MONDO:0009919, OMIM 264470. Disease mechanism: loss of function.

Allele frequency attached by ClinVar (database versions not stated): gnomAD 0.00001.
gnomAD v4.1: 17 of 1,613,942 alleles (0.0011%); highest among the groups gnomAD compares: South Asian, 0.0055%; no homozygotes.

Submission:

Labcorp Genetics (formerly Invitae), Labcorp
Classification: Uncertain significance for Acyl-CoA oxidase deficiency. Last evaluated: 2024-05-29. Review status: criteria provided, single submitter. Criteria: Invitae Variant Classification Sherloc (09022015). Collection method: clinical testing. Allele origin: germline.
Comment: This sequence change replaces arginine, which is basic and polar, with cysteine, which is neutral and slightly polar, at codon 623 of the ACOX1 protein (p.Arg623Cys). This variant is present in population databases (rs772115436, gnomAD 0.005%). This variant has not been reported in the literature in individuals affected with ACOX1-related conditions. ClinVar contains an entry for this variant (Variation ID: 2198240). An algorithm developed to predict the effect of missense changes on protein structure and function (PolyPhen-2) suggests that this variant is likely to be disruptive. In summary, the available evidence is currently insufficient to determine the role of this variant in disease. Therefore, it has been classified as a Variant of Uncertain Significance.